The following is an entry in ClinVar:

NM_002838.5(PTPRC):c.3197A>G (p.His1066Arg)

Gene: PTPRC (protein tyrosine phosphatase receptor type C; plus strand). Cytogenetic location: 1q32.1.
Variant type: single nucleotide variant.
Coding change: c.3197A>G on transcript NM_002838.5 (MANE Select); coding-DNA position 3197, A replaced by G.
Protein change: p.His1066Arg; replaces histidine 1066 with arginine.
Molecular consequence: missense variant.
Genome position (GRCh38, 1-based): chr1:198,750,616, A>G. VCF-style: chr1-198750616-A-G. GRCh37 (hg19) VCF-style: chr1-198719745-A-G.
Other names: c.2714A>G, p.His905Arg (NM_080921.4); short protein forms H1066R, H905R.
Identifiers: ClinVar variation 1047858 (VCV001047858.8), dbSNP rs1655338254, ClinGen allele CA344054178.
Genomic context (GRCh38, chr1:198,750,616, plus strand): 5'-TTTGGCAGATGATCTTCCAAAGAAAAGTCAAAGTTATTGTTATGCTGACAGAACTGAAAC[A>G]TGGAGACCAGGTTTGTACTTTTGAGGATTTTCTTTTAAGCCTTTCTGTCATAAAACGTCA-3'
Protein context (NP_002829.3, residues 1056-1076): KVIVMLTELK[His1066Arg]GDQEICAQYW

ClinVar aggregate classification (germline): Uncertain significance (1 of 4 stars; one submission).

Conditions:
Immunodeficiency 104. Also called: IMMUNODEFICIENCY 104, SEVERE COMBINED; Severe combined immunodeficiency, autosomal recessive, T cell-negative, B cell-positive, NK cell-positive; SCID, AUTOSOMAL RECESSIVE, T CELL-NEGATIVE, B CELL-POSITIVE, NK CELL-POSITIVE; Severe Combined Immune Deficiency, Autosomal Recessive, TCell -Negative, B Cell-Positive, NK Cell-Positive, IL7R-Related. Identifiers: MedGen C5676890, MONDO:0012163, OMIM 608971.

Submission:

Labcorp Genetics (formerly Invitae), Labcorp
Classification: Uncertain significance for Immunodeficiency 104. Last evaluated: 2022-07-25. Review status: criteria provided, single submitter. Criteria: Invitae Variant Classification Sherloc (09022015). Collection method: clinical testing. Allele origin: germline.
Comment: In summary, the available evidence is currently insufficient to determine the role of this variant in disease. Therefore, it has been classified as a Variant of Uncertain Significance. Algorithms developed to predict the effect of missense changes on protein structure and function (SIFT, PolyPhen-2, Align-GVGD) all suggest that this variant is likely to be tolerated. ClinVar contains an entry for this variant (Variation ID: 1047858). This variant has not been reported in the literature in individuals affected with PTPRC-related conditions. This variant is not present in population databases (gnomAD no frequency). This sequence change replaces histidine, which is basic and polar, with arginine, which is basic and polar, at codon 1066 of the PTPRC protein (p.His1066Arg).